The following is an entry in ClinVar:

NM_007192.4(SUPT16H):c.3019G>A (p.Glu1007Lys)

Genes: SUPT16H (SPT16 homolog, facilitates chromatin remodeling subunit; minus strand), LOC126861887 (BRD4-independent group 4 enhancer GRCh37_chr14:21820143-21821342; plus strand). Cytogenetic location: 14q11.2.
Variant type: single nucleotide variant.
Coding change: c.3019G>A on transcript NM_007192.4 (MANE Select); coding-DNA position 3019, G replaced by A.
Protein change: p.Glu1007Lys; replaces glutamic acid 1007 with lysine.
Molecular consequence: missense variant.
Genome position (GRCh38, 1-based): chr14:21,352,798, C>T on the plus strand (G>A on the coding strand, the complement: SUPT16H is on the minus strand). VCF-style: chr14-21352798-C-T. GRCh37 (hg19) VCF-style: chr14-21820957-C-T.
Other names: short protein forms E1007K.
Identifiers: ClinVar variation 3343626 (VCV003343626.1).
Genomic context (GRCh38, chr14:21,352,798, plus strand): 5'-AACTGTGCACAGATGCCTTCCTCTTCCGGCTCATACTTCGACTTTGTTCTTCTTCTTCCT[C>T]GTAACGACTTTCTCGGTCCGCTAAATAGAAGAGGCATTATTAGTTAGCAATAGGTAAGCT-3'
Protein context (NP_009123.1, residues 997-1017): ARKADRESRY[Glu1007Lys]EEEEQSRSMS

ClinVar aggregate classification (germline): Uncertain significance (1 of 4 stars; one submission).

gnomAD v4.1: 1 of 1,613,846 alleles (0.000062%); highest among the groups gnomAD compares: Non-Finnish European, 0.000085%; no homozygotes.

Submission:

GeneDx
Classification: Uncertain significance. Last evaluated: 2023-05-21. Review status: criteria provided, single submitter. Criteria: GeneDx Variant Classification Process June 2021. Collection method: clinical testing. Allele origin: germline. Affected: yes.
Comment: Not observed at significant frequency in large population cohorts (gnomAD); In silico analysis supports that this missense variant does not alter protein structure/function; Has not been previously published as pathogenic or benign to our knowledge